The following is an entry in ClinVar:

ClinVar aggregate classification (germline): Benign/Likely benign. Review status: criteria provided, multiple submitters, no conflicts (2 of 4 stars). 4 submissions from 4 submitters: Benign (1); Likely benign (3). Last evaluated 2025-03-05.

Conditions:
Wolfram syndrome 1 (WFS1). Identifiers: Orphanet 3463, MedGen C4551693, MONDO:0009101, OMIM 222300.

Allele frequency attached by ClinVar (database versions not stated): gnomAD exomes 0.00001 and 0.00002; TOPMed 0.00002.
gnomAD v4.1: 21 of 1,613,916 alleles (0.0013%); highest among the groups gnomAD compares: Admixed American, 0.028%; no homozygotes.

Submissions (4):

Labcorp Genetics (formerly Invitae), Labcorp
Classification: Likely benign. Last evaluated: 2025-03-05. Review status: criteria provided, single submitter. Criteria: Invitae Variant Classification Sherloc (09022015). Collection method: clinical testing. Allele origin: germline.

Blueprint Genetics
Classification: Likely benign. Last evaluated: 2020-05-19. Review status: criteria provided, single submitter. Criteria: ACMG Guidelines, 2015. Collection method: clinical testing. Allele origin: germline.

CeGaT Center for Human Genetics Tuebingen
Classification: Likely benign. Last evaluated: 2018-05-01. Review status: criteria provided, single submitter. Criteria: CeGaT Center For Human Genetics Tuebingen Variant Classification Criteria Version 2. Collection method: clinical testing. Allele origin: germline. Affected: yes. Observed: 1 variant allele.

Clinical Genomics, Uppaluri K&H Personalized Medicine Clinic
Classification: Benign for Wolfram syndrome 1. Review status: criteria provided, single submitter. Criteria: K & H Uppaluri Personalized Medicine Clinic Variant Classification & Assertion Criteria_Updated V.1. Collection method: research. Allele origin: unknown. Inheritance: Autosomal recessive inheritance.
Comment: Potent mutations in WFS1 gene are associated with Wolfram's syndrome, an autosomal recessive condition, which cause diabetes mellitus, diabetes insipidus, deafness and optic atrophy. However no sufficient evidence is found to ascertain the role of this particular variant rs1257021150 in Wolfram's syndrome yet.

Literature cited by the submitters: PubMed 20738327 (cited by Clinical Genomics, Uppaluri K&H Personalized Medicine Clinic); PubMed 33879153 (cited by Clinical Genomics, Uppaluri K&H Personalized Medicine Clinic); PubMed 12955714 (cited by Clinical Genomics, Uppaluri K&H Personalized Medicine Clinic); PubMed 18060660 (cited by Clinical Genomics, Uppaluri K&H Personalized Medicine Clinic); PubMed 20301750 (cited by Clinical Genomics, Uppaluri K&H Personalized Medicine Clinic); PubMed 17603484 (cited by Clinical Genomics, Uppaluri K&H Personalized Medicine Clinic).

NM_006005.3(WFS1):c.981C>T (p.Leu327=)

Gene: WFS1 (wolframin ER transmembrane glycoprotein; plus strand). Cytogenetic location: 4p16.1.
Variant type: single nucleotide variant.
Coding change: c.981C>T on transcript NM_006005.3 (MANE Select); coding-DNA position 981, C replaced by T.
Protein change: p.Leu327=; no amino-acid change (leucine 327 retained).
Molecular consequence: synonymous variant.
Genome position (GRCh38, 1-based): chr4:6,300,776, C>T. VCF-style: chr4-6300776-C-T. GRCh37 (hg19) VCF-style: chr4-6302503-C-T.
Other names: c.981C>T, p.Leu327= (NM_001145853.1).
Identifiers: ClinVar variation 624040 (VCV000624040.47), dbSNP rs1257021150, ClinGen allele CA438211499.